The following is an entry in ClinVar:

NM_000465.4(BARD1):c.289A>G (p.Ile97Val)

Gene: BARD1 (BRCA1 associated RING domain 1; minus strand). Cytogenetic location: 2q35.
Variant type: single nucleotide variant.
Coding change: c.289A>G on transcript NM_000465.4 (MANE Select); coding-DNA position 289, A replaced by G.
Protein change: p.Ile97Val; replaces isoleucine 97 with valine.
Molecular consequence: missense variant. On other transcripts: non-coding transcript variant (1), intron variant (2).
Genome position (GRCh38, 1-based): chr2:214,792,372, T>C on the plus strand (A>G on the coding strand, the complement: BARD1 is on the minus strand). VCF-style: chr2-214792372-T-C. GRCh37 (hg19) VCF-style: chr2-215657096-T-C.
Other names: c.232A>G, p.Ile78Val (NM_001282543.2); c.289A>G, p.Ile97Val (NM_001282549.2); c.158+17040A>G (NM_001282548.2); c.215+4689A>G (NM_001282545.2); c.289A>G (NM_000465.2); short protein forms I97V, I78V.
Identifiers: ClinVar variation 489670 (VCV000489670.19), dbSNP rs1553624773, ClinGen allele CA350461043.

ClinVar aggregate classification (germline): Uncertain significance. Review status: criteria provided, multiple submitters, no conflicts (2 of 4 stars). 4 submissions from 4 submitters: Uncertain significance (4). Last evaluated 2025-08-18.

Conditions:
Hereditary cancer-predisposing syndrome. Also called: Hereditary Cancer Syndrome; Neoplastic Syndromes, Hereditary; Tumor predisposition; Hereditary neoplastic syndrome. Identifiers: Orphanet 140162, MedGen C0027672, MeSH D009386, MONDO:0015356.
Familial cancer of breast. Also called: Hereditary breast cancer; BREAST CANCER, FAMILIAL; hereditary breast carcinoma. Identifiers: Orphanet 227535, MedGen C0346153, MONDO:0016419, OMIM 114480. Disease mechanism: loss of function.

Allele frequency attached by ClinVar (database versions not stated): gnomAD exomes below 0.00001.
gnomAD v4.1: 2 of 1,613,194 alleles (0.00012%); highest among the groups gnomAD compares: Non-Finnish European, 0.00017%; no homozygotes.

Submissions (4):

Color Diagnostics, LLC DBA Color Health
Classification: Uncertain significance for Hereditary cancer-predisposing syndrome. Last evaluated: 2025-08-18. Review status: criteria provided, single submitter. Criteria: ACMG Guidelines, 2015. Collection method: clinical testing. Allele origin: germline.
Comment: This missense variant replaces isoleucine with valine at codon 97 of the BARD1 protein. Computational prediction suggests that this variant may not impact protein structure and function. To our knowledge, functional studies have not been reported for this variant. This variant has been reported in an individual affected with breast cancer (PMID: 31036035). This variant has not been identified in the general population by the Genome Aggregation Database (gnomAD). The available evidence is insufficient to determine the role of this variant in disease conclusively. Therefore, this variant is classified as a Variant of Uncertain Significance.

Labcorp Genetics (formerly Invitae), Labcorp
Classification: Uncertain significance for Familial cancer of breast. Last evaluated: 2025-04-28. Review status: criteria provided, single submitter. Criteria: Invitae Variant Classification Sherloc (09022015). Collection method: clinical testing. Allele origin: germline.
Comment: This sequence change replaces isoleucine, which is neutral and non-polar, with valine, which is neutral and non-polar, at codon 97 of the BARD1 protein (p.Ile97Val). This variant is not present in population databases (gnomAD no frequency). This missense change has been observed in individual(s) with breast cancer (PMID: 31036035). ClinVar contains an entry for this variant (Variation ID: 489670). An algorithm developed to predict the effect of missense changes on protein structure and function (PolyPhen-2) suggests that this variant is likely to be disruptive. In summary, the available evidence is currently insufficient to determine the role of this variant in disease. Therefore, it has been classified as a Variant of Uncertain Significance.

Ambry Genetics
Classification: Uncertain significance for Hereditary cancer-predisposing syndrome. Last evaluated: 2024-10-08. Review status: criteria provided, single submitter. Criteria: Ambry Variant Classification Scheme 2023. Collection method: clinical testing. Allele origin: germline.
Comment: The p.I97V variant (also known as c.289A>G), located in coding exon 3 of the BARD1 gene, results from an A to G substitution at nucleotide position 289. The isoleucine at codon 97 is replaced by valine, an amino acid with highly similar properties. This variant was identified in 1/4,469 (0.022%) of familial breast cancer index cases (Weber-Lassalle N et al. Breast Cancer Res., 2019 04;21:55). This amino acid position is highly conserved in available vertebrate species. In addition, this alteration is predicted to be tolerated by in silico analysis. Since supporting evidence is limited at this time, the clinical significance of this alteration remains unclear.

Baylor Genetics
Classification: Uncertain significance for Familial cancer of breast. Last evaluated: 2023-09-30. Review status: criteria provided, single submitter. Criteria: ACMG Guidelines, 2015. Collection method: clinical testing. Allele origin: unknown.

Literature cited by the submitters: PubMed 31036035 (cited by 3 submitters).